The following is an entry in ClinVar:

NM_001458.5(FLNC):c.5523C>T (p.Asp1841=)

Genes: FLNC (filamin C; plus strand), FLNC-AS1 (FLNC antisense RNA 1; minus strand). Cytogenetic location: 7q32.1.
Variant type: single nucleotide variant.
Coding change: c.5523C>T on transcript NM_001458.5 (MANE Select); coding-DNA position 5523, C replaced by T.
Protein change: p.Asp1841=; no amino-acid change (aspartic acid 1841 retained).
Molecular consequence: synonymous variant.
Genome position (GRCh38, 1-based): chr7:128,850,927, C>T. VCF-style: chr7-128850927-C-T. GRCh37 (hg19) VCF-style: chr7-128490981-C-T.
Other names: c.5424C>T, p.Asp1808= (NM_001127487.2).
Identifiers: ClinVar variation 760821 (VCV000760821.15), dbSNP rs748504948, ClinGen allele CA4475713.

ClinVar aggregate classification (germline): Conflicting classifications of pathogenicity. Review status: criteria provided, conflicting classifications (1 of 4 stars). 3 submissions from 3 submitters: Uncertain significance (1); Likely benign (2). Last evaluated 2026-09-21.

Conditions:
Cardiovascular phenotype. Identifiers: MedGen CN230736.
Distal myopathy with posterior leg and anterior hand involvement. Also called: WILLIAMS DISTAL MYOPATHY. Identifiers: Orphanet 63273, MedGen C3279722, MONDO:0013550, OMIM 614065.
Myofibrillar myopathy 5. Also called: Filaminopathy (type); FILAMINOPATHY, AUTOSOMAL DOMINANT. Identifiers: Orphanet 171445, MedGen C1836050, MONDO:0012289, OMIM 609524.
Hypertrophic cardiomyopathy 26. Also called: Cardiomyopathy, familial hypertrophic, 26. Identifiers: Orphanet 75249, MedGen C4310749, MONDO:0014883, OMIM 617047.

Allele frequency attached by ClinVar (database versions not stated): gnomAD exomes 0.00001 and 0.00003; gnomAD 0.00001; TOPMed 0.00002; ExAC 0.00002.
gnomAD v4.1: 18 of 1,613,198 alleles (0.0011%); highest among the groups gnomAD compares: East Asian, 0.0022%; no homozygotes.

Submissions (3):

Molecular Diagnostic Laboratory for Inherited Cardiovascular Disease, Montreal Heart Institute
Classification: Likely benign. Last evaluated: 2026-09-21. Review status: criteria provided, single submitter. Criteria: ACMG Guidelines, 2015. Collection method: clinical testing. Allele origin: germline. Affected: no.
Comment: BP7

Labcorp Genetics (formerly Invitae), Labcorp
Classification: Likely benign for Distal myopathy with posterior leg and anterior hand involvement; Myofibrillar myopathy 5; Hypertrophic cardiomyopathy 26. Last evaluated: 2025-02-12. Review status: criteria provided, single submitter. Criteria: Invitae Variant Classification Sherloc (09022015). Collection method: clinical testing. Allele origin: germline.

Ambry Genetics
Classification: Uncertain significance for Cardiovascular phenotype. Last evaluated: 2024-09-16. Review status: criteria provided, single submitter. Criteria: Ambry Variant Classification Scheme 2023. Collection method: clinical testing. Allele origin: germline.
Comment: The c.5523C>T variant (also known as p.D1841D), located in coding exon 33 of the FLNC gene, results from a C to T substitution at nucleotide position 5523. This nucleotide substitution does not change the aspartic acid at codon 1841. This variant has been detected in a dilated cardiomyopathy cohort; however, details were limited (Perret C et al. Clin Genet. 2024 Feb;105(2):185-189). This nucleotide position is poorly conserved in available vertebrate species. In silico splice site analysis for this alteration is inconclusive. Based on the available evidence, the clinical significance of this variant remains unclear.

Literature cited by the submitters: PubMed 37904629 (cited by Ambry Genetics).